The following is an entry in ClinVar:

ClinVar aggregate classification (germline): Likely benign (1 of 4 stars; one submission).

Submission:

Women's Health and Genetics/Laboratory Corporation of America, LabCorp
Classification: Likely benign. Last evaluated: 2024-09-11. Review status: criteria provided, single submitter. Criteria: LabCorp Variant Classification Summary - May 2015. Collection method: clinical testing. Allele origin: germline.
Comment: Variant summary: PACS1 c.2429+10_2429+11delinsAG alters multiple nucleotides located at positions not widely known to affect splicing. Consensus agreement among computation tools predict no significant impact on normal splicing. However, these predictions have yet to be confirmed by functional studies. The variant was absent in 244206 control chromosomes. The available data on variant occurrences in the general population are insufficient to allow any conclusion about variant significance. To our knowledge, no occurrence of c.2429+10_2429+11delinsAG in individuals affected with Schuurs-Hoeijmakers Syndrome and no experimental evidence demonstrating its impact on protein function have been reported. No submitters have cited clinical-significance assessments for this variant to ClinVar. Based on the evidence outlined above, the variant was classified as likely benign.

NM_018026.4(PACS1):c.2429+10_2429+11inv

Gene: PACS1 (phosphofurin acidic cluster sorting protein 1; plus strand). Cytogenetic location: 11q13.2.
Variant type: Inversion.
Coding change: c.2429+10_2429+11inv on transcript NM_018026.4 (MANE Select).
Molecular consequence: intron variant.
Genome position: GRCh38 VCF-style: chr11-66239287-CT-AG. GRCh37 (hg19) VCF-style: chr11-66006758-CT-AG.
Other names: c.2429+10_2429+11delinsAG (NM_018026.4).
Identifiers: ClinVar variation 3374864 (VCV003374864.1).
Genomic context (GRCh38, chr11:66,239,287, plus strand): 5'-GGCCACCCCTCCCTCCTCCCCATCTATGAGCAGCGCCCTGGCCATCGTGGGGTAAGGCTC[CT>AG]GCCCGTACCTGTCCTGCCATGCCCTCCATCAGGCCCACCCGGCTGATTCCAGTGACAGGC-3'